The following is an entry in ClinVar:

ClinVar aggregate classification (germline): Likely pathogenic (1 of 4 stars; one submission).

Conditions:
Duchenne muscular dystrophy (DMD). Also called: MUSCULAR DYSTROPHY, PSEUDOHYPERTROPHIC PROGRESSIVE, DUCHENNE TYPE; Duchenne Muscular Dystrophy (DMD). Identifiers: Orphanet 98896, MedGen C0013264, MONDO:0010679, OMIM 310200.

Submission:

Labcorp Genetics (formerly Invitae), Labcorp
Classification: Likely pathogenic for Duchenne muscular dystrophy. Last evaluated: 2018-04-30. Review status: criteria provided, single submitter. Criteria: Invitae Variant Classification Sherloc (09022015). Collection method: clinical testing. Allele origin: unknown.
Comment: This variant is a deletion of the genomic region encompassing part of exon 51 (c.7309+12789_7490del) of the DMD gene. It is expected to disrupt RNA splicing and likely results in an absent or disrupted protein product. This variant has not been reported in the literature in individuals with DMD-related disease. Loss-of-function variants in DMD are known to be pathogenic (PMID: 16770791, 25007885). In summary, the currently available evidence indicates that the variant is pathogenic, but additional data are needed to prove that conclusively. Therefore, this variant has been classified as Likely Pathogenic.

Literature cited by the submitters: PubMed 16770791; PubMed 25007885.

NC_000023.10:g.(?_31792129)_(31825303_?)del

Gene: DMD (dystrophin; minus strand). Cytogenetic location: Xp21.1.
Variant type: Deletion.
Identifiers: ClinVar variation 3243482 (VCV003243482.1).